The following is an entry in ClinVar:

ClinVar aggregate classification (germline): Uncertain significance (1 of 4 stars; one submission).

Conditions:
Hereditary cancer-predisposing syndrome. Also called: Hereditary neoplastic syndrome; Neoplastic Syndromes, Hereditary; Tumor predisposition; Hereditary Cancer Syndrome. Identifiers: Orphanet 140162, MedGen C0027672, MeSH D009386, MONDO:0015356.

Submission:

Ambry Genetics
Classification: Uncertain significance for Hereditary cancer-predisposing syndrome. Last evaluated: 2024-12-20. Review status: criteria provided, single submitter. Criteria: Ambry Variant Classification Scheme 2023. Collection method: clinical testing. Allele origin: germline.
Comment: The p.E366D variant (also known as c.1098A>C), located in coding exon 4 of the AXIN2 gene, results from an A to C substitution at nucleotide position 1098. The glutamic acid at codon 366 is replaced by aspartic acid, an amino acid with highly similar properties. This amino acid position is conserved. In addition, this alteration is predicted to be tolerated by in silico analysis. Based on the available evidence, the clinical significance of this variant remains unclear.

NM_004655.4(AXIN2):c.1098A>C (p.Glu366Asp)

Gene: AXIN2 (axin 2; minus strand). Cytogenetic location: 17q24.1.
Variant type: single nucleotide variant.
Coding change: c.1098A>C on transcript NM_004655.4 (MANE Select); coding-DNA position 1098, A replaced by C.
Protein change: p.Glu366Asp; replaces glutamic acid 366 with aspartic acid.
Molecular consequence: missense variant.
Genome position (GRCh38, 1-based): chr17:65,538,305, T>G on the plus strand (A>C on the coding strand, the complement: AXIN2 is on the minus strand). VCF-style: chr17-65538305-T-G. GRCh37 (hg19) VCF-style: chr17-63534423-T-G.
Other names: c.1098A>C, p.Glu366Asp (NM_001363813.1); short protein forms E366D.
Identifiers: ClinVar variation 3814189 (VCV003814189.1).